The following is an entry in ClinVar:

ClinVar aggregate classification (germline): Benign. Review status: criteria provided, multiple submitters, no conflicts (2 of 4 stars). 2 submissions from 2 submitters: Benign (2). Last evaluated 2018-06-16.

Allele frequency attached by ClinVar (database versions not stated): 1000 Genomes Project 30x 0.03763; 1000 Genomes Project 0.03814; gnomAD exomes 0.04754; ExAC 0.05018; TOPMed 0.05410; gnomAD 0.05425 and 0.05611; ESP Exome Variant Server 0.06192.
gnomAD v4.1: 94,876 of 1,611,800 alleles (5.9%); highest among the groups gnomAD compares: Non-Finnish European, 6.7%; 3,105 homozygotes.

Submissions (2):

GeneDx
Classification: Benign. Last evaluated: 2018-06-16. Review status: criteria provided, single submitter. Criteria: GeneDx Variant Classification (06012015). Collection method: clinical testing. Allele origin: germline. Affected: yes.
Comment: This variant is considered likely benign or benign based on one or more of the following criteria: it is a conservative change, it occurs at a poorly conserved position in the protein, it is predicted to be benign by multiple in silico algorithms, and/or has population frequency not consistent with disease.

Breakthrough Genomics
Classification: Benign. Review status: criteria provided, single submitter. Criteria: ACMG Guidelines, 2015. Collection method: not provided. Allele origin: germline. Inheritance: Autosomal recessive inheritance. Affected: yes.

NM_001853.4(COL9A3):c.901-27C>T

Gene: COL9A3 (collagen type IX alpha 3 chain; plus strand). Cytogenetic location: 20q13.33.
Variant type: single nucleotide variant.
Coding change: c.901-27C>T on transcript NM_001853.4 (MANE Select); 27 bases into the intron before coding-DNA position 901, C replaced by T.
Molecular consequence: intron variant.
Genome position (GRCh38, 1-based): chr20:62,828,737, C>T. VCF-style: chr20-62828737-C-T. GRCh37 (hg19) VCF-style: chr20-61460089-C-T.
Identifiers: ClinVar variation 675093 (VCV000675093.2), dbSNP rs55771770, ClinGen allele CA9949600.